The following is an entry in ClinVar:

NM_001875.5(CPS1):c.2596G>T (p.Glu866Ter)

Gene: CPS1 (carbamoyl-phosphate synthase 1; plus strand). Cytogenetic location: 2q34.
Variant type: single nucleotide variant.
Coding change: c.2596G>T on transcript NM_001875.5 (MANE Select); coding-DNA position 2596, G replaced by T.
Protein change: p.Glu866Ter; replaces glutamic acid 866 with a stop codon.
Molecular consequence: nonsense. On other transcripts: non-coding transcript variant (2).
Genome position (GRCh38, 1-based): chr2:210,616,450, G>T. VCF-style: chr2-210616450-G-T. GRCh37 (hg19) VCF-style: chr2-211481174-G-T.
Other names: c.2596G>T (LRG_336t1); c.2596G>T, p.Glu866Ter (NM_001122633.3, NM_001369257.1); c.2629G>T, p.Glu877Ter (NM_001369256.1); short protein forms E866*, E877*.
Identifiers: ClinVar variation 661290 (VCV000661290.1), dbSNP rs1233577562, ClinGen allele CA350441458.

ClinVar aggregate classification (germline): Pathogenic (1 of 4 stars; one submission).

Conditions:
Congenital hyperammonemia, type I. Also called: CPS I DEFICIENCY; Carbamoyl phosphate synthetase I deficiency disease; Carbamoyl phosphate synthetase 1 deficiency; Hyperammonemia due to carbamoyl phosphate synthetase 1 deficiency; CPS 1 deficiency; Carbamyl phosphate synthetase (CPS) deficiency. Identifiers: Orphanet 147, MedGen C4082171, MONDO:0009376, OMIM 237300.

Submission:

Labcorp Genetics (formerly Invitae), Labcorp
Classification: Pathogenic for Congenital hyperammonemia, type I. Last evaluated: 2018-11-29. Review status: criteria provided, single submitter. Criteria: Invitae Variant Classification Sherloc (09022015). Collection method: clinical testing. Allele origin: germline.
Comment: This sequence change creates a premature translational stop signal (p.Glu866*) in the CPS1 gene. It is expected to result in an absent or disrupted protein product. This variant is not present in population databases (ExAC no frequency). This variant has not been reported in the literature in individuals with CPS1-related disease. Loss-of-function variants in CPS1 are known to be pathogenic (PMID: 21120950). For these reasons, this variant has been classified as Pathogenic.